The following is an entry in ClinVar:

NM_000368.5(TSC1):c.2599C>T (p.Gln867Ter)

Gene: TSC1 (TSC complex subunit 1; minus strand). Cytogenetic location: 9q34.13.
Variant type: single nucleotide variant.
Coding change: c.2599C>T on transcript NM_000368.5 (MANE Select); coding-DNA position 2599, C replaced by T.
Protein change: p.Gln867Ter; replaces glutamine 867 with a stop codon.
Molecular consequence: nonsense.
Genome position (GRCh38, 1-based): chr9:132,900,741, G>A on the plus strand (C>T on the coding strand, the complement: TSC1 is on the minus strand). VCF-style: chr9-132900741-G-A. GRCh37 (hg19) VCF-style: chr9-135776128-G-A.
Other names: c.2596C>T, p.Gln866Ter (NM_001162426.2); c.2446C>T, p.Gln816Ter (NM_001162427.2); c.2236C>T, p.Gln746Ter (NM_001362177.2); short protein forms Q746*, Q816*, Q866*, Q867*.
Identifiers: ClinVar variation 1072658 (VCV001072658.9), dbSNP rs2131685383, ClinGen allele CA375369931.

ClinVar aggregate classification (germline): Pathogenic. Review status: criteria provided, multiple submitters, no conflicts (2 of 4 stars). 2 submissions from 2 submitters: Pathogenic (2). Last evaluated 2025-05-23.

Conditions:
Hereditary cancer-predisposing syndrome. Also called: Neoplastic Syndromes, Hereditary; Hereditary neoplastic syndrome; Tumor predisposition; Hereditary Cancer Syndrome. Identifiers: Orphanet 140162, MedGen C0027672, MeSH D009386, MONDO:0015356.
Tuberous sclerosis 1 (TSC1). Identifiers: Orphanet 805, MedGen C1854465, MONDO:0008612, OMIM 191100.

Submissions (2):

Labcorp Genetics (formerly Invitae), Labcorp
Classification: Pathogenic for Tuberous sclerosis 1. Last evaluated: 2025-05-23. Review status: criteria provided, single submitter. Criteria: Invitae Variant Classification Sherloc (09022015). Collection method: clinical testing. Allele origin: germline.
Comment: This sequence change creates a premature translational stop signal (p.Gln867*) in the TSC1 gene. It is expected to result in an absent or disrupted protein product. Loss-of-function variants in TSC1 are known to be pathogenic (PMID: 10227394, 17304050). This variant is not present in population databases (gnomAD no frequency). This variant has not been reported in the literature in individuals affected with TSC1-related conditions. ClinVar contains an entry for this variant (Variation ID: 1072658). For these reasons, this variant has been classified as Pathogenic.

Ambry Genetics
Classification: Pathogenic for Hereditary cancer-predisposing syndrome. Last evaluated: 2022-09-21. Review status: criteria provided, single submitter. Criteria: Ambry Variant Classification Scheme 2023. Collection method: clinical testing. Allele origin: germline.
Comment: The p.Q867* pathogenic mutation (also known as c.2599C>T), located in coding exon 18 of the TSC1 gene, results from a C to T substitution at nucleotide position 2599. This changes the amino acid from a glutamine to a stop codon within coding exon 18. This variant is considered to be rare based on population cohorts in the Genome Aggregation Database (gnomAD). This alteration is expected to result in loss of function by premature protein truncation or nonsense-mediated mRNA decay. As such, this alteration is interpreted as a disease-causing mutation.

Literature cited by the submitters: PubMed 10227394 (cited by Labcorp Genetics (formerly Invitae), Labcorp); PubMed 17304050 (cited by Labcorp Genetics (formerly Invitae), Labcorp).